The following is an entry in ClinVar:

NM_000051.4(ATM):c.4153G>T (p.Val1385Leu)

Gene: ATM (ATM serine/threonine kinase; plus strand). Cytogenetic location: 11q22.3.
Variant type: single nucleotide variant.
Coding change: c.4153G>T on transcript NM_000051.4 (MANE Select); coding-DNA position 4153, G replaced by T.
Protein change: p.Val1385Leu; replaces valine 1385 with leucine.
Molecular consequence: missense variant.
Genome position (GRCh38, 1-based): chr11:108,289,020, G>T. VCF-style: chr11-108289020-G-T. GRCh37 (hg19) VCF-style: chr11-108159747-G-T.
Other names: c.4153G>T, p.Val1385Leu (NM_001351834.2); short protein forms V1385L.
Identifiers: ClinVar variation 420452 (VCV000420452.28), dbSNP rs1064794484, ClinGen allele CA16619175.

ClinVar aggregate classification (germline): Uncertain significance. Review status: criteria provided, multiple submitters, no conflicts (2 of 4 stars). 8 submissions from 8 submitters: Uncertain significance (7). 1 of the submissions does not count toward it. Last evaluated 2025-12-28.

Conditions:
Hereditary cancer-predisposing syndrome. Also called: Hereditary neoplastic syndrome; Hereditary Cancer Syndrome; Neoplastic Syndromes, Hereditary; Tumor predisposition. Identifiers: Orphanet 140162, MedGen C0027672, MeSH D009386, MONDO:0015356.
Familial cancer of breast. Also called: hereditary breast carcinoma; Hereditary breast cancer; BREAST CANCER, FAMILIAL. Identifiers: Orphanet 227535, MedGen C0346153, MONDO:0016419, OMIM 114480. Disease mechanism: loss of function.
Ataxia-telangiectasia syndrome (AT). Also called: Ataxia-telangiectasia, complementation group D; Cerebello-oculocutaneous telangiectasia; Immunodeficiency with ataxia telangiectasia; ATAXIA-TELANGIECTASIA, COMPLEMENTATION GROUP A; ATAXIA-TELANGIECTASIA, FRESNO VARIANT; LOUIS-BAR SYNDROME. Identifiers: Orphanet 100, MedGen C0004135, MONDO:0008840, OMIM 208900.

Allele frequency attached by ClinVar (database versions not stated): gnomAD exomes below 0.00001; gnomAD 0.00001.
gnomAD v4.1: 5 of 1,613,426 alleles (0.00031%); highest among the groups gnomAD compares: Non-Finnish European, 0.00042%; no homozygotes.

Submissions (8):

Labcorp Genetics (formerly Invitae), Labcorp
Classification: Uncertain significance for Ataxia-telangiectasia syndrome. Last evaluated: 2025-12-28. Review status: criteria provided, single submitter. Criteria: Invitae Variant Classification Sherloc (09022015). Collection method: clinical testing. Allele origin: germline.
Comment: This sequence change replaces valine, which is neutral and non-polar, with leucine, which is neutral and non-polar, at codon 1385 of the ATM protein (p.Val1385Leu). This variant is present in population databases (no rsID available, gnomAD 0.0009%). This variant has not been reported in the literature in individuals affected with ATM-related conditions. ClinVar contains an entry for this variant (Variation ID: 420452). Invitae Evidence Modeling of protein sequence and biophysical properties (such as structural, functional, and spatial information, amino acid conservation, physicochemical variation, residue mobility, and thermodynamic stability) indicates that this missense variant is not expected to disrupt ATM protein function with a negative predictive value of 95%. In summary, the available evidence is currently insufficient to determine the role of this variant in disease. Therefore, it has been classified as a Variant of Uncertain Significance.

Ambry Genetics
Classification: Uncertain significance for Hereditary cancer-predisposing syndrome. Last evaluated: 2025-05-22. Review status: criteria provided, single submitter. Criteria: Ambry Variant Classification Scheme 2023. Collection method: clinical testing. Allele origin: germline.
Comment: The p.V1385L variant (also known as c.4153G>T), located in coding exon 27 of the ATM gene, results from a G to T substitution at nucleotide position 4153. The valine at codon 1385 is replaced by leucine, an amino acid with highly similar properties. This amino acid position is highly conserved in available vertebrate species. In addition, the in silico prediction for this alteration is inconclusive. Based on the available evidence, the clinical significance of this variant remains unclear.

Color Diagnostics, LLC DBA Color Health
Classification: Uncertain significance for Hereditary cancer-predisposing syndrome. Last evaluated: 2024-03-06. Review status: criteria provided, single submitter. Criteria: ACMG Guidelines, 2015. Collection method: clinical testing. Allele origin: germline.
Comment: This missense variant replaces valine with leucine at codon 1385 of the ATM protein. Computational prediction suggests that this variant may not impact protein structure and function (internally defined REVEL score threshold <= 0.5, PMID: 27666373). To our knowledge, functional studies have not been reported for this variant. This variant has not been reported in individuals affected with ATM-related disorders in the literature. This variant has been identified in 1/251286 chromosomes in the general population by the Genome Aggregation Database (gnomAD). The available evidence is insufficient to determine the role of this variant in disease conclusively. Therefore, this variant is classified as a Variant of Uncertain Significance.

Baylor Genetics
Classification: Uncertain significance for Familial cancer of breast. Last evaluated: 2024-01-23. Review status: criteria provided, single submitter. Criteria: ACMG Guidelines, 2015. Collection method: clinical testing. Allele origin: unknown.

Athena Diagnostics
Classification: Uncertain significance. Last evaluated: 2023-08-16. Review status: criteria provided, single submitter. Criteria: Athena Diagnostics Criteria. Collection method: clinical testing. Allele origin: unknown.
Comment: Available data are insufficient to determine the clinical significance of the variant at this time. The available data on the frequency of this variant in large general population databases was not informative towards the evaluation of its pathogenicity. Computational tools disagree on the variant's effect on normal protein function.

Women's Health and Genetics/Laboratory Corporation of America, LabCorp
Classification: Uncertain significance. Last evaluated: 2023-07-15. Review status: criteria provided, single submitter. Criteria: LabCorp Variant Classification Summary - May 2015. Collection method: clinical testing. Allele origin: germline.

GeneDx
Classification: Uncertain significance. Last evaluated: 2016-11-10. Review status: criteria provided, single submitter. Criteria: GeneDx Variant Classification (06012015). Collection method: clinical testing. Allele origin: germline. Affected: yes.
Comment: This variant is denoted ATM c.4153G>T at the cDNA level, p.Val1385Leu (V1385L) at the protein level, and results in the change of a Valine to a Leucine (GTG>TTG). This variant has not, to our knowledge, been published in the literature as pathogenic or benign. ATM Val1385Leu was not observed in approximately 6,500 individuals of European and African American ancestry in the NHLBI Exome Sequencing Project, suggesting it is not a common benign variant in these populations. Since Valine and Leucine share similar properties, this is considered a conservative amino acid substitution. ATM Val1385Leu occurs at a position that is conserved across species and is not located in a known functional domain (Tavtigian 2009, Stracker 2013). In silico analyses are inconsistent regarding the effect this variant may have on protein structure and function. Based on currently available evidence, it is unclear whether ATM Val1385Leu is a pathogenic or benign variant. We consider it to be a variant of uncertain significance.

Natera, Inc.
Classification: Uncertain significance for Ataxia-telangiectasia. Last evaluated: 2020-11-06. Review status: no assertion criteria provided. Collection method: clinical testing. Allele origin: germline. Not counted in ClinVar's aggregate classification.